The following is an entry in ClinVar:

NM_001303256.3(MORC2):c.2641A>G (p.Ile881Val)

Gene: MORC2 (MORC family CW-type zinc finger 2; minus strand). Cytogenetic location: 22q12.2.
Variant type: single nucleotide variant.
Coding change: c.2641A>G on transcript NM_001303256.3 (MANE Select); coding-DNA position 2641, A replaced by G.
Protein change: p.Ile881Val; replaces isoleucine 881 with valine.
Molecular consequence: missense variant.
Genome position (GRCh38, 1-based): chr22:30,932,651, T>C on the plus strand (A>G on the coding strand, the complement: MORC2 is on the minus strand). VCF-style: chr22-30932651-T-C. GRCh37 (hg19) VCF-style: chr22-31328638-T-C.
Other names: c.2641A>G, p.Ile881Val (NM_001303257.2); c.2455A>G, p.Ile819Val (NM_014941.3); short protein forms I819V, I881V.
Identifiers: ClinVar variation 1699842 (VCV001699842.2), dbSNP rs2040592746, ClinGen allele CA411231895.

ClinVar aggregate classification (germline): Uncertain significance (1 of 4 stars; one submission).

Allele frequency attached by ClinVar (database versions not stated): TOPMed below 0.00001.

Submission:

GeneDx
Classification: Uncertain significance. Last evaluated: 2022-01-28. Review status: criteria provided, single submitter. Criteria: GeneDx Variant Classification Process June 2021. Collection method: clinical testing. Allele origin: germline. Affected: yes.
Comment: Not observed at significant frequency in large population cohorts (gnomAD); In silico analysis supports that this missense variant does not alter protein structure/function; Has not been previously published as pathogenic or benign to our knowledge